The following is an entry in ClinVar:

ClinVar aggregate classification (germline): Uncertain significance (1 of 4 stars; one submission).

Submission:

Labcorp Genetics (formerly Invitae), Labcorp
Classification: Uncertain significance. Last evaluated: 2022-11-08. Review status: criteria provided, single submitter. Criteria: Invitae Variant Classification Sherloc (09022015). Collection method: clinical testing. Allele origin: germline.
Comment: In summary, the available evidence is currently insufficient to determine the role of this variant in disease. Therefore, it has been classified as a Variant of Uncertain Significance. This variant has not been reported in the literature in individuals affected with RECQL-related conditions. This variant is not present in population databases (gnomAD no frequency). This sequence change creates a premature translational stop signal (p.Cys122Metfs*44) in the RECQL gene. It is expected to result in an absent or disrupted protein product. However, the current clinical and genetic evidence is not sufficient to establish whether loss-of-function variants in RECQL cause disease.

NM_002907.4(RECQL):c.363dup (p.Cys122fs)

Gene: RECQL (RecQ like helicase; minus strand). Cytogenetic location: 12p12.1.
Variant type: Duplication.
Coding change: c.363dup on transcript NM_002907.4 (MANE Select); coding-DNA position 363, one base duplicated (A; older notation c.363dupA).
Protein change: p.Cys122fs; shifts the reading frame from cysteine 122.
Molecular consequence: frameshift variant.
Genome position (GRCh38, 1-based): chr12:21,490,230, T duplicated on the plus strand (A on the coding strand, the reverse complement: RECQL is on the minus strand). VCF-style (leftmost placement, unchanged base first): chr12-21490229-A-AT. GRCh37 (hg19) VCF-style: chr12-21643163-A-AT.
Other names: c.363dup, p.Cys122fs (NM_032941.3); short protein forms C122fs.
Identifiers: ClinVar variation 2132262 (VCV002132262.4), dbSNP rs2540399303, ClinGen allele CA2580085259.
Genomic context (GRCh38, chr12:21,490,229, plus strand): 5'-CAACTCAAAATTAATTTTTTTAGTACATACCATCTGAACATAATGCTGGTAACTGGTAAC[A>AT]TAAGCTCTTTCCACCTCCTGTAGGCATAACAAGAAATACCTCCTTTCCAGCCATTGTTAC-3'